The following is an entry in ClinVar:

NM_001352027.3(PHF21A):c.1452C>T (p.Asp484=)

Gene: PHF21A (PHD finger protein 21A; minus strand). Cytogenetic location: 11p11.2.
Variant type: single nucleotide variant.
Coding change: c.1452C>T on transcript NM_001352027.3 (MANE Select); coding-DNA position 1452, C replaced by T.
Protein change: p.Asp484=; no amino-acid change (aspartic acid 484 retained).
Molecular consequence: synonymous variant. On other transcripts: non-coding transcript variant (1), intron variant (6).
Genome position (GRCh38, 1-based): chr11:45,945,840, G>A on the plus strand (C>T on the coding strand, the complement: PHF21A is on the minus strand). VCF-style: chr11-45945840-G-A. GRCh37 (hg19) VCF-style: chr11-45967391-G-A.
Other names: c.1449C>T, p.Asp483= (NM_001101802.3); c.1452C>T, p.Asp484= (NM_001352025.3, NM_001352026.3); c.1308+236C>T (NM_001352030.3, NM_001352031.3, NM_001352032.3); c.1311+236C>T (NM_016621.5, NM_001352028.1, NM_001352029.1).
Identifiers: ClinVar variation 2960711 (VCV002960711.3), dbSNP rs1413554947, ClinGen allele CA473865078.

ClinVar aggregate classification (germline): Uncertain significance (1 of 4 stars; one submission).

Allele frequency attached by ClinVar (database versions not stated): gnomAD 0.00001; gnomAD exomes 0.00001; TOPMed 0.00001.
gnomAD v4.1: 15 of 1,572,012 alleles (0.00095%); highest among the groups gnomAD compares: Non-Finnish European, 0.0012%; no homozygotes.

Submission:

Labcorp Genetics (formerly Invitae), Labcorp
Classification: Uncertain significance. Last evaluated: 2023-07-17. Review status: criteria provided, single submitter. Criteria: Invitae Variant Classification Sherloc (09022015). Collection method: clinical testing. Allele origin: germline.
Comment: In summary, the available evidence is currently insufficient to determine the role of this variant in disease. Therefore, it has been classified as a Variant of Uncertain Significance. Algorithms developed to predict the effect of sequence changes on RNA splicing suggest that this variant is not likely to affect RNA splicing. This variant has not been reported in the literature in individuals affected with PHF21A-related conditions. This variant is not present in population databases (gnomAD no frequency). This sequence change affects codon 483 of the PHF21A mRNA. It is a 'silent' change, meaning that it does not change the encoded amino acid sequence of the PHF21A protein. It affects a nucleotide within the consensus splice site.